The following is an entry in ClinVar:

NM_014014.5(SNRNP200):c.4975C>T (p.His1659Tyr)

Gene: SNRNP200 (small nuclear ribonucleoprotein U5 subunit 200; minus strand). Cytogenetic location: 2q11.2.
Variant type: single nucleotide variant.
Coding change: c.4975C>T on transcript NM_014014.5 (MANE Select); coding-DNA position 4975, C replaced by T.
Protein change: p.His1659Tyr; replaces histidine 1659 with tyrosine.
Molecular consequence: missense variant.
Genome position (GRCh38, 1-based): chr2:96,281,863, G>A on the plus strand (C>T on the coding strand, the complement: SNRNP200 is on the minus strand). VCF-style: chr2-96281863-G-A. GRCh37 (hg19) VCF-style: chr2-96947601-G-A.
Other names: short protein forms H1659Y.
Identifiers: ClinVar variation 2007699 (VCV002007699.4), dbSNP rs1263800131, ClinGen allele CA347662271.

ClinVar aggregate classification (germline): Uncertain significance (1 of 4 stars; one submission).

Allele frequency attached by ClinVar (database versions not stated): gnomAD exomes below 0.00001.
gnomAD v4.1: 2 of 1,614,104 alleles (0.00012%); highest among the groups gnomAD compares: Non-Finnish European, 0.00017%; no homozygotes.

Submission:

Labcorp Genetics (formerly Invitae), Labcorp
Classification: Uncertain significance. Last evaluated: 2022-06-23. Review status: criteria provided, single submitter. Criteria: Invitae Variant Classification Sherloc (09022015). Collection method: clinical testing. Allele origin: germline.
Comment: In summary, the available evidence is currently insufficient to determine the role of this variant in disease. Therefore, it has been classified as a Variant of Uncertain Significance. Algorithms developed to predict the effect of missense changes on protein structure and function (SIFT, PolyPhen-2, Align-GVGD) all suggest that this variant is likely to be tolerated. This variant has not been reported in the literature in individuals affected with SNRNP200-related conditions. This variant is not present in population databases (gnomAD no frequency). This sequence change replaces histidine, which is basic and polar, with tyrosine, which is neutral and polar, at codon 1659 of the SNRNP200 protein (p.His1659Tyr).